The following is an entry in ClinVar:

ClinVar aggregate classification (germline): Uncertain significance (1 of 4 stars; one submission).

Conditions:
PLXNA4-related disorder. Also called: PLXNA4-related condition.

gnomAD v4.1: 1 of 1,614,054 alleles (0.000062%); highest among the groups gnomAD compares: African/African-American, 0.0013%; no homozygotes.

Submission:

PreventionGenetics, part of Exact Sciences
Classification: Uncertain significance for PLXNA4-related condition. Last evaluated: 2025-11-26. Review status: criteria provided, single submitter. Criteria: ACMG Guidelines, 2015. Collection method: clinical testing. Allele origin: germline.
Comment: The PLXNA4 c.3244C>T variant is predicted to result in the amino acid substitution p.His1082Tyr. To our knowledge, this variant has not been reported in the literature or in a large population database (gnomAD), indicating this variant is rare. At this time, the clinical significance of this variant is uncertain due to the absence of conclusive functional and genetic evidence.

NM_020911.2(PLXNA4):c.3244C>T (p.His1082Tyr)

Gene: PLXNA4 (plexin A4; minus strand). Cytogenetic location: 7q32.3.
Variant type: single nucleotide variant.
Coding change: c.3244C>T on transcript NM_020911.2 (MANE Select); coding-DNA position 3244, C replaced by T.
Protein change: p.His1082Tyr; replaces histidine 1082 with tyrosine.
Molecular consequence: missense variant.
Genome position (GRCh38, 1-based): chr7:132,182,105, G>A on the plus strand (C>T on the coding strand, the complement: PLXNA4 is on the minus strand). VCF-style: chr7-132182105-G-A. GRCh37 (hg19) VCF-style: chr7-131866864-G-A.
Other names: c.3244C>T, p.His1082Tyr (NM_001393897.1); short protein forms H1082Y.
Identifiers: ClinVar variation 4994354 (VCV004994354.1).
Genomic context (GRCh38, chr7:132,182,105, plus strand): 5'-AGCAACGTGTTGCATGGGCAGCCTCCATGAACCCCATCAGCCCTACACTCACATTGATGT[G>A]CTCCTTCCCTCCATGCTTGGCACGGATCTGGGGGTTCTGTATGAGGTCCAGGTGGGTCCC-3'
Protein context (NP_065962.1, residues 1072-1092): QIRAKHGGKE[His1082Tyr]INICEVLNAT